The following is an entry in ClinVar:

NM_001201543.2(FAM161A):c.378del (p.Gln127fs)

Gene: FAM161A (FAM161 centrosomal protein A; minus strand). Cytogenetic location: 2p15.
Variant type: Deletion.
Coding change: c.378del on transcript NM_001201543.2 (MANE Select); coding-DNA position 378, one base deleted (T; older notation c.378delT).
Protein change: p.Gln127fs; shifts the reading frame from glutamine 127.
Molecular consequence: frameshift variant. On other transcripts: non-coding transcript variant (1).
Genome position (GRCh38, 1-based): chr2:61,842,166, A deleted on the plus strand (T on the coding strand, the reverse complement: FAM161A is on the minus strand); the first of 2 consecutive A bases (chr2:61,842,166-61,842,167); deleting either gives the same sequence. VCF-style (leftmost placement, unchanged base first): chr2-61842165-GA-G. GRCh37 (hg19) VCF-style: chr2-62069300-GA-G.
Other names: c.378delT (NM_001201543.1); c.378del, p.Gln127fs (NM_032180.3); short protein forms Q127fs.
Identifiers: ClinVar variation 1705201 (VCV001705201.2), dbSNP rs2466033468, ClinGen allele CA2576981670.

ClinVar aggregate classification (germline): Pathogenic/Likely pathogenic. Review status: criteria provided, multiple submitters, no conflicts (2 of 4 stars). 2 submissions from 2 submitters: Pathogenic (1); Likely pathogenic (1). Last evaluated 2026-02-25.

Conditions:
Retinitis pigmentosa (RP). Identifiers: Orphanet 791, MedGen C0035334, MeSH D012174, MONDO:0019200, OMIM 268000. Inheritance: Autosomal dominant, autosomal recessive and X linked inheritance.
Retinitis pigmentosa 28 (RP28). Identifiers: Orphanet 791, MedGen C1419614, MONDO:0011630, OMIM 606068.

Submissions (2):

Myriad Genetics, Inc.
Classification: Pathogenic for Retinitis pigmentosa 28. Last evaluated: 2026-02-25. Review status: criteria provided, single submitter. Criteria: Myriad Autosomal Dominant, Autosomal Recessive and X-Linked Classification Criteria (2023). Collection method: clinical testing. Allele origin: unknown.
Comment: NM_001201543.1(FAM161A):c.378delT(Q127Sfs*28) is a frameshift variant classified as pathogenic in the context of retinitis pigmentosa, FAM161A-related. Q127Sfs*28 has not been observed in cases with relevant disease. Relevant functional assessments of this variant are not available in the literature. Q127Sfs*28 has not been observed in referenced population frequency databases. In summary, NM_001201543.1(FAM161A):c.378delT(Q127Sfs*28) is a frameshift variant in a gene where loss of function is a known mechanism of disease and is predicted to disrupt protein function. Please note: this variant was assessed in the context of healthy population screening.

Women's Health and Genetics/Laboratory Corporation of America, LabCorp
Classification: Likely pathogenic for Retinitis pigmentosa. Last evaluated: 2022-08-25. Review status: criteria provided, single submitter. Criteria: LabCorp Variant Classification Summary - May 2015. Collection method: clinical testing. Allele origin: germline.
Comment: Variant summary: FAM161A c.378delT (p.Gln127SerfsX28) results in a premature termination codon, predicted to cause a truncation of the encoded protein or absence of the protein due to nonsense mediated decay, which are commonly known mechanisms for disease. A truncation downstream of this position has been classified as pathogenic by our laboratory. The variant was absent in 249474 control chromosomes. To our knowledge, no occurrence of c.378delT in individuals affected with Retinitis Pigmentosa and no experimental evidence demonstrating its impact on protein function have been reported. No clinical diagnostic laboratories have submitted clinical-significance assessments for this variant to ClinVar after 2014. Based on the evidence outlined above, the variant was classified as likely pathogenic.